The following is an entry in ClinVar:

NM_004973.4(JARID2):c.369T>C (p.Asn123=)

Gene: JARID2 (jumonji and AT-rich interaction domain containing 2; plus strand). Cytogenetic location: 6p22.3.
Variant type: single nucleotide variant.
Coding change: c.369T>C on transcript NM_004973.4 (MANE Select); coding-DNA position 369, T replaced by C.
Protein change: p.Asn123=; no amino-acid change (asparagine 123 retained).
Molecular consequence: synonymous variant. On other transcripts: 5 prime UTR variant (1).
Genome position (GRCh38, 1-based): chr6:15,452,051, T>C. VCF-style: chr6-15452051-T-C. GRCh37 (hg19) VCF-style: chr6-15452282-T-C.
Other names: c.-148T>C (NM_001267040.1).
Identifiers: ClinVar variation 4083723 (VCV004083723.8).

ClinVar aggregate classification (germline): Likely benign (1 of 4 stars; one submission).

gnomAD v4.1: 20 of 1,614,016 alleles (0.0012%); highest among the groups gnomAD compares: Non-Finnish European, 0.0015%; no homozygotes.

Submission:

CeGaT Center for Human Genetics Tuebingen
Classification: Likely benign. Last evaluated: 2026-08-01. Review status: criteria provided, single submitter. Criteria: CeGaT Center For Human Genetics Tuebingen Variant Classification Criteria Version 2. Collection method: clinical testing. Allele origin: germline. Affected: yes. Observed: 2 variant alleles.
Comment: JARID2: BP4, BP7